The following is an entry in ClinVar:

NM_000492.4(CFTR):c.3078del (p.Phe1026fs)

Genes: CFTR-AS2 (CFTR antisense RNA 2; minus strand), CFTR (CF transmembrane conductance regulator; plus strand), LOC111674472 (DNase I hypersensitive sites in introns 16 and 17a of CFTR; plus strand). Cytogenetic location: 7q31.2.
Variant type: Deletion.
Coding change: c.3078del on transcript NM_000492.4 (MANE Select); coding-DNA position 3078, one base deleted (T; older notation c.3078delT).
Protein change: p.Phe1026fs; shifts the reading frame from phenylalanine 1026.
Molecular consequence: frameshift variant.
Genome position (GRCh38, 1-based): chr7:117,610,608, T deleted; the last of 4 consecutive T bases (chr7:117,610,605-117,610,608); deleting any one gives the same sequence. VCF-style (leftmost placement, unchanged base first): chr7-117610604-CT-C. GRCh37 (hg19) VCF-style: chr7-117250658-CT-C.
Other names: c.3078del (NM_000492.3); short protein forms F1026fs.
Identifiers: ClinVar variation 2680708 (VCV002680708.2), dbSNP rs2485129063, ClinGen allele CA2695199627.

ClinVar aggregate classification (germline): Likely pathogenic. Review status: criteria provided, multiple submitters, no conflicts (2 of 4 stars). 2 submissions from 2 submitters: Likely pathogenic (2). Last evaluated 2025-08-05.

Conditions:
CFTR-related disorder (CFTR-RD). Also called: CFTR-related disorders; CFTR-related condition. Identifiers: MedGen C5924204, MONDO:7770004.
Bronchiectasis with or without elevated sweat chloride 1 (BESC1). Also called: Cystic Fibrosis-Like Syndrome. Identifiers: Orphanet 60033, MedGen C2749757, MONDO:0008887, OMIM 211400.

Submissions (2):

Natera, Inc.
Classification: Likely pathogenic for CFTR-related disorders. Last evaluated: 2025-08-05. Review status: criteria provided, single submitter. Criteria: Natera Variant Classification Schema (03/2026). Collection method: clinical testing. Allele origin: germline.
Comment: The c.3078del variant in CFTR is a frameshift variant predicted to shift the reading frame beginning at codon 1026 and leads to a stop codon 4 codons downstream. This variant is expected to result in nonsense mediated decay, truncation, or a dysfunctional protein product. This variant is rare in the general population with a frequency below the threshold expected for the associated phenotype(s). Given the available evidence, this variant is classified as Likely Pathogenic.

Baylor Genetics
Classification: Likely pathogenic for Bronchiectasis with or without elevated sweat chloride 1. Last evaluated: 2023-03-15. Review status: criteria provided, single submitter. Criteria: ACMG Guidelines, 2015. Collection method: clinical testing. Allele origin: unknown.